The following is an entry in ClinVar:

NM_000452.3(SLC10A2):c.670C>A (p.Pro224Thr)

Gene: SLC10A2 (solute carrier family 10 member 2; minus strand). Cytogenetic location: 13q33.1.
Variant type: single nucleotide variant.
Coding change: c.670C>A on transcript NM_000452.3 (MANE Select); coding-DNA position 670, C replaced by A.
Protein change: p.Pro224Thr; replaces proline 224 with threonine.
Molecular consequence: missense variant.
Genome position (GRCh38, 1-based): chr13:103,051,348, G>T on the plus strand (C>A on the coding strand, the complement: SLC10A2 is on the minus strand). VCF-style: chr13-103051348-G-T. GRCh37 (hg19) VCF-style: chr13-103703698-G-T.
Other names: short protein forms P224T.
Identifiers: ClinVar variation 2697024 (VCV002697024.3), dbSNP rs773635885, ClinGen allele CA7042095.

ClinVar aggregate classification (germline): Uncertain significance (1 of 4 stars; one submission).

Submission:

Labcorp Genetics (formerly Invitae), Labcorp
Classification: Uncertain significance. Last evaluated: 2023-11-18. Review status: criteria provided, single submitter. Criteria: Invitae Variant Classification Sherloc (09022015). Collection method: clinical testing. Allele origin: germline.
Comment: This sequence change replaces proline, which is neutral and non-polar, with threonine, which is neutral and polar, at codon 224 of the SLC10A2 protein (p.Pro224Thr). This variant is present in population databases (rs773635885, gnomAD 0.0009%). This variant has not been reported in the literature in individuals affected with SLC10A2-related conditions. Advanced modeling of protein sequence and biophysical properties (such as structural, functional, and spatial information, amino acid conservation, physicochemical variation, residue mobility, and thermodynamic stability) performed at Invitae indicates that this missense variant is not expected to disrupt SLC10A2 protein function with a negative predictive value of 80%. In summary, the available evidence is currently insufficient to determine the role of this variant in disease. Therefore, it has been classified as a Variant of Uncertain Significance.